The following is an entry in ClinVar:

NM_005656.4(TMPRSS2):c.1222_1223del (p.Gln408fs)

Gene: TMPRSS2 (transmembrane serine protease 2; minus strand). Cytogenetic location: 21q22.3.
Variant type: Microsatellite.
Coding change: c.1222_1223del on transcript NM_005656.4 (MANE Select); coding-DNA positions 1222 to 1223, 2 bases deleted (CA; older notation c.1222_1223delCA).
Protein change: p.Gln408fs; shifts the reading frame from glutamine 408.
Molecular consequence: frameshift variant.
Genome position (GRCh38, 1-based): chr21:41,468,487-41,468,488, TG deleted on the plus strand (CA on the coding strand, the reverse complement: TMPRSS2 is on the minus strand); deleting any 2 consecutive bases within chr21:41,468,487-41,468,491 gives the same sequence; the c. name uses the placement nearest the transcript's 3' end. VCF-style (leftmost placement, unchanged base first): chr21-41468486-CTG-C. GRCh37 (hg19) VCF-style: chr21-42840413-CTG-C.
Other names: c.1333_1334delCA (NM_001135099.1); c.1333_1334del, p.Gln445fs (NM_001135099.1); c.1222_1223del, p.Gln408fs (NM_001382720.1); short protein forms Q408fs, Q445fs.
Identifiers: ClinVar variation 161524 (VCV000161524.2), dbSNP rs193920966, ClinGen allele CA174264.

ClinVar aggregate classification (germline): Uncertain significance (0 of 4 stars; one submission).

Conditions:
Prostate cancer. Also called: Malignant tumor of prostate. Identifiers: Orphanet 1331, MedGen C0376358, MONDO:0008315, HP:0012125.

Submission:

Science for Life laboratory,  Karolinska Institutet
Classification: Uncertain significance for Malignant tumor of prostate. Review status: no assertion criteria provided. Collection method: not provided. Allele origin: somatic.
Comment: TumorID:SWE-3
ClinVar note: Converted during submission from Unknown to Uncertain significance.